The following is an entry in ClinVar:

ClinVar aggregate classification (germline): Uncertain significance (1 of 4 stars; one submission).

gnomAD v4.1: 9 of 1,610,874 alleles (0.00056%); highest among the groups gnomAD compares: Non-Finnish European, 0.00068%; no homozygotes.

Submission:

Labcorp Genetics (formerly Invitae), Labcorp
Classification: Uncertain significance. Last evaluated: 2024-07-11. Review status: criteria provided, single submitter. Criteria: Invitae Variant Classification Sherloc (09022015). Collection method: clinical testing. Allele origin: germline.
Comment: This sequence change affects codon 20 of the FOCAD mRNA. It is a 'silent' change, meaning that it does not change the encoded amino acid sequence of the FOCAD protein. This variant is not present in population databases (gnomAD no frequency). This variant has not been reported in the literature in individuals affected with FOCAD-related conditions. Algorithms developed to predict the effect of sequence changes on RNA splicing suggest that this variant may create or strengthen a splice site. In summary, the available evidence is currently insufficient to determine the role of this variant in disease. Therefore, it has been classified as a Variant of Uncertain Significance.

NM_001375567.1(FOCAD):c.60T>A (p.Ala20=)

Gene: FOCAD (focadhesin; plus strand). Cytogenetic location: 9p21.3.
Variant type: single nucleotide variant.
Coding change: c.60T>A on transcript NM_001375567.1 (MANE Select); coding-DNA position 60, T replaced by A.
Protein change: p.Ala20=; no amino-acid change (alanine 20 retained).
Molecular consequence: synonymous variant.
Genome position (GRCh38, 1-based): chr9:20,717,796, T>A. VCF-style: chr9-20717796-T-A. GRCh37 (hg19) VCF-style: chr9-20717795-T-A.
Other names: c.60T>A, p.Ala20= (NM_001375568.1, NM_001375570.1, NM_017794.5).
Identifiers: ClinVar variation 3707292 (VCV003707292.2).